The following is an entry in ClinVar:

NM_020964.3(EPG5):c.6456A>C (p.Ser2152=)

Gene: EPG5 (ectopic P-granules 5 autophagy tethering factor; minus strand). Cytogenetic location: 18q12.3.
Variant type: single nucleotide variant.
Coding change: c.6456A>C on transcript NM_020964.3 (MANE Select); coding-DNA position 6456, A replaced by C.
Protein change: p.Ser2152=; no amino-acid change (serine 2152 retained).
Molecular consequence: synonymous variant.
Genome position (GRCh38, 1-based): chr18:45,866,963, T>G on the plus strand (A>C on the coding strand, the complement: EPG5 is on the minus strand). VCF-style: chr18-45866963-T-G. GRCh37 (hg19) VCF-style: chr18-43446928-T-G.
Other names: c.6456A>C, p.Ser2152= (NM_001410858.1); c.6453A>C, p.Ser2151= (NM_001410859.1).
Identifiers: ClinVar variation 2720118 (VCV002720118.4), dbSNP rs760372673, ClinGen allele CA8948262.
Genomic context (GRCh38, chr18:45,866,963, plus strand): 5'-GTAATGGCTGCTGAAATAACTTAGCACACTCTGGTACGACACAATATCCACAAGATGCCA[T>G]GAAAGTGAGCTTGTCTGTCCAAGGAGACTAAGTAAAGGTGAATCCTAAAAATAAAACACA-3'
Protein context (NP_066015.2, residues 2142-2162): LSLLGQTSSL[Ser2152=]WHLVDIVSYQ

ClinVar aggregate classification (germline): Likely benign. Review status: criteria provided, multiple submitters, no conflicts (2 of 4 stars). 2 submissions from 2 submitters: Likely benign (2). Last evaluated 2025-10-16.

Conditions:
Vici syndrome (VICIS). Identifiers: Orphanet 1493, MedGen C1855772, MONDO:0009452, OMIM 242840.

gnomAD v4.1: 6 of 1,614,162 alleles (0.00037%); highest among the groups gnomAD compares: Non-Finnish European, 0.00051%; no homozygotes.

Submissions (2):

Labcorp Genetics (formerly Invitae), Labcorp
Classification: Likely benign for Vici syndrome. Last evaluated: 2025-10-16. Review status: criteria provided, single submitter. Criteria: Invitae Variant Classification Sherloc (09022015). Collection method: clinical testing. Allele origin: germline.

Women's Health and Genetics/Laboratory Corporation of America, LabCorp
Classification: Likely benign. Last evaluated: 2024-04-09. Review status: criteria provided, single submitter. Criteria: LabCorp Variant Classification Summary - May 2015. Collection method: clinical testing. Allele origin: germline.
Comment: Variant summary: EPG5 c.6456A>C alters a non-conserved nucleotide resulting in a synonymous change. Consensus agreement among computation tools predict no significant impact on normal splicing. However, these predictions have yet to be confirmed by functional studies. The variant allele was found at a frequency of 8e-06 in 249498 control chromosomes. The available data on variant occurrences in the general population are insufficient to allow any conclusion about variant significance. To our knowledge, no occurrence of c.6456A>C in individuals affected with Vici Syndrome and no experimental evidence demonstrating its impact on protein function have been reported. ClinVar contains an entry for this variant (Variation ID: 2720118). Based on the evidence outlined above, the variant was classified as likely benign.